The following is an entry in ClinVar:

ClinVar aggregate classification (germline): Uncertain significance (1 of 4 stars; one submission).

Conditions:
Hereditary breast ovarian cancer syndrome. Also called: Breast and ovarian cancer; Hereditary breast and ovarian cancer syndrome; Hereditary breast and ovarian cancer syndrome (HBOC); BRCA1- and BRCA2-Associated Hereditary Breast and Ovarian Cancer; Hereditary breast and/or ovarian cancer syndrome; Hereditary breast and ovarian cancer. Identifiers: Orphanet 145, MedGen C0677776, MeSH D061325, MONDO:0003582. Disease mechanism: loss of function.

Submission:

Labcorp Genetics (formerly Invitae), Labcorp
Classification: Uncertain significance for Hereditary breast ovarian cancer syndrome. Last evaluated: 2025-06-22. Review status: criteria provided, single submitter. Criteria: Invitae Variant Classification Sherloc (09022015). Collection method: clinical testing. Allele origin: germline.
Comment: This sequence change replaces methionine, which is neutral and non-polar, with valine, which is neutral and non-polar, at codon 287 of the BRCA2 protein (p.Met287Val). This variant is present in population databases (no rsID available, gnomAD 0.004%). This variant has not been reported in the literature in individuals affected with BRCA2-related conditions. Invitae Evidence Modeling of protein sequence and biophysical properties (such as structural, functional, and spatial information, amino acid conservation, physicochemical variation, residue mobility, and thermodynamic stability) indicates that this missense variant is not expected to disrupt BRCA2 protein function with a negative predictive value of 95%. In summary, the available evidence is currently insufficient to determine the role of this variant in disease. Therefore, it has been classified as a Variant of Uncertain Significance.

NM_000059.4(BRCA2):c.859A>G (p.Met287Val)

Gene: BRCA2 (BRCA2 DNA repair associated; plus strand). Cytogenetic location: 13q13.1.
Variant type: single nucleotide variant.
Coding change: c.859A>G on transcript NM_000059.4 (MANE Select); coding-DNA position 859, A replaced by G.
Protein change: p.Met287Val; replaces methionine 287 with valine.
Molecular consequence: missense variant. On other transcripts: non-coding transcript variant (1), intron variant (1).
Genome position (GRCh38, 1-based): chr13:32,332,337, A>G. VCF-style: chr13-32332337-A-G. GRCh37 (hg19) VCF-style: chr13-32906474-A-G.
Other names: c.859A>G, p.Met287Val (NM_001406719.1, NM_001406720.1, NM_001406721.1 and 1 more transcripts); c.424+1307A>G (NM_001406722.1); short protein forms M287V.
Identifiers: ClinVar variation 4776565 (VCV004776565.1).